The following is an entry in ClinVar:

NM_001370259.2(MEN1):c.907C>T (p.His303Tyr)

Gene: MEN1 (menin 1; minus strand). Cytogenetic location: 11q13.1.
Variant type: single nucleotide variant.
Coding change: c.907C>T on transcript NM_001370259.2 (MANE Select); coding-DNA position 907, C replaced by T.
Protein change: p.His303Tyr; replaces histidine 303 with tyrosine.
Molecular consequence: missense variant.
Genome position (GRCh38, 1-based): chr11:64,807,016, G>A on the plus strand (C>T on the coding strand, the complement: MEN1 is on the minus strand). VCF-style: chr11-64807016-G-A. GRCh37 (hg19) VCF-style: chr11-64574488-G-A.
Other names: c.922C>T, p.His308Tyr (NM_000244.4, NM_130800.3, NM_130801.3 and 3 more transcripts); c.907C>T, p.His303Tyr (NM_001370251.2, NM_001370260.2, NM_001370261.2 and 1 more transcripts); c.802C>T, p.His268Tyr (NM_001370262.2, NM_001370263.2); short protein forms H268Y, H303Y, H308Y.
Identifiers: ClinVar variation 1002597 (VCV001002597.11), dbSNP rs1941775165, ClinGen allele CA381183487.
Genomic context (GRCh38, chr11:64,807,016, plus strand): 5'-CCTGCCTCAGCCACTGTTAGGGTCTCCCTTCTGCACCCTCCTTAGATGCCCCCACCTTGT[G>A]GTAGAGGGTGAGTGGGTCTGGCCGGCCAGGGGTGGGCTCCAGCTCCTCTAGATCTGCCAG-3'
Protein context (NP_001357188.2, residues 293-313): PGRPDPLTLY[His303Tyr]KGIASAKTYY

ClinVar aggregate classification (germline): Uncertain significance. Review status: criteria provided, multiple submitters, no conflicts (2 of 4 stars). 3 submissions from 3 submitters: Uncertain significance (3). Last evaluated 2025-10-14.

Conditions:
Hereditary cancer-predisposing syndrome. Also called: Hereditary neoplastic syndrome; Neoplastic Syndromes, Hereditary; Tumor predisposition; Hereditary Cancer Syndrome. Identifiers: Orphanet 140162, MedGen C0027672, MeSH D009386, MONDO:0015356.
Multiple endocrine neoplasia, type 1 (MEN1). Also called: Endocrine adenomatosis multiple; MEN 1; MEN I; WERMER SYNDROME; MEA I. Identifiers: Orphanet 652, MedGen C0025267, MeSH D018761, MONDO:0007540, OMIM 131100.

Submissions (3):

Color Diagnostics, LLC DBA Color Health
Classification: Uncertain significance for Multiple endocrine neoplasia, type 1. Last evaluated: 2025-10-14. Review status: criteria provided, single submitter. Criteria: ACMG Guidelines, 2015. Collection method: clinical testing. Allele origin: germline.
Comment: This missense variant replaces histidine with tyrosine at codon 303 of the MEN1 protein. Computational prediction is inconclusive regarding the impact of this variant on protein structure and function. To our knowledge, functional studies have not been reported for this variant. This variant has not been reported in individuals affected with MEN1-related disorders in the literature. This variant has not been identified in the general population by the Genome Aggregation Database (gnomAD). The available evidence is insufficient to determine the role of this variant in disease conclusively. Therefore, this variant is classified as a Variant of Uncertain Significance.

Ambry Genetics
Classification: Uncertain significance for Hereditary cancer-predisposing syndrome. Last evaluated: 2022-01-16. Review status: criteria provided, single submitter. Criteria: Ambry Variant Classification Scheme 2023. Collection method: clinical testing. Allele origin: germline.
Comment: The p.H303Y variant (also known as c.907C>T), located in coding exon 5 of the MEN1 gene, results from a C to T substitution at nucleotide position 907. The histidine at codon 303 is replaced by tyrosine, an amino acid with similar properties. This amino acid position is conserved. In addition, the in silico prediction for this alteration is inconclusive. Since supporting evidence is limited at this time, the clinical significance of this alteration remains unclear.

Labcorp Genetics (formerly Invitae), Labcorp
Classification: Uncertain significance for Multiple endocrine neoplasia, type 1. Last evaluated: 2020-07-07. Review status: criteria provided, single submitter. Criteria: Invitae Variant Classification Sherloc (09022015). Collection method: clinical testing. Allele origin: germline.
Comment: In summary, the available evidence is currently insufficient to determine the role of this variant in disease. Therefore, it has been classified as a Variant of Uncertain Significance. Algorithms developed to predict the effect of missense changes on protein structure and function (SIFT, PolyPhen-2, Align-GVGD) all suggest that this variant is likely to be tolerated, but these predictions have not been confirmed by published functional studies and their clinical significance is uncertain. This variant has not been reported in the literature in individuals with MEN1-related conditions. This variant is not present in population databases (ExAC no frequency). This sequence change replaces histidine with tyrosine at codon 303 of the MEN1 protein (p.His303Tyr). The histidine residue is moderately conserved and there is a moderate physicochemical difference between histidine and tyrosine.